The following is an entry in ClinVar:

ClinVar aggregate classification (germline): Pathogenic/Likely pathogenic. Review status: criteria provided, multiple submitters, no conflicts (2 of 4 stars). 5 submissions from 5 submitters: Pathogenic (2); Likely pathogenic (1). 2 of the submissions do not count toward it. Last evaluated 2024-09-09.

Conditions:
DHTKD1-related disorder. Also called: DHTKD1-related condition.
Charcot-Marie-Tooth disease axonal type 2Q. Also called: CHARCOT-MARIE-TOOTH DISEASE, AXONAL, AUTOSOMAL DOMINANT, TYPE 2Q; CHARCOT-MARIE-TOOTH NEUROPATHY, TYPE 2Q. Identifiers: Orphanet 329258, MedGen C3554366, MONDO:0014012, OMIM 615025.
2-aminoadipic 2-oxoadipic aciduria (AAKAD). Also called: ALPHA-AMINOADIPIC AND ALPHA-KETOADIPIC ACIDURIA; Aminoadipic aciduria. Identifiers: Orphanet 79154, MedGen C1859817, MONDO:0008774, OMIM 204750.
Charcot-Marie-Tooth disease type 2A2. Also called: CHARCOT-MARIE-TOOTH DISEASE, NEURONAL, TYPE 2A2; Charcot-Marie-Tooth Neuropathy Type 2A2; CHARCOT-MARIE-TOOTH DISEASE, AXONAL, TYPE 2A2; HEREDITARY MOTOR AND SENSORY NEUROPATHY IIA2; HMSN IIA2; CHARCOT-MARIE-TOOTH DISEASE, AXONAL, AUTOSOMAL DOMINANT, TYPE 2A2A. Identifiers: Orphanet 99947, MedGen C4721887, MONDO:0012231, OMIM 609260.

Allele frequency attached by ClinVar (database versions not stated): ExAC 0.00001; gnomAD 0.00001; gnomAD exomes 0.00001; TOPMed 0.00001.
gnomAD v4.1: 14 of 1,613,952 alleles (0.00087%); highest among the groups gnomAD compares: African/African-American, 0.0013%; no homozygotes.

Submissions (5):

Labcorp Genetics (formerly Invitae), Labcorp
Classification: Pathogenic for 2-aminoadipic 2-oxoadipic aciduria. Last evaluated: 2024-09-09. Review status: criteria provided, single submitter. Criteria: Invitae Variant Classification Sherloc (09022015). Collection method: clinical testing. Allele origin: germline.
Comment: This sequence change creates a premature translational stop signal (p.Arg410*) in the DHTKD1 gene. It is expected to result in an absent or disrupted protein product. Loss-of-function variants in DHTKD1 are known to be pathogenic (PMID: 23141293, 25860818). This variant is present in population databases (rs397514534, gnomAD 0.006%). This premature translational stop signal has been observed in individual(s) with 2-aminoadipic and 2-oxoadipic aciduria (PMID: 23141293). ClinVar contains an entry for this variant (Variation ID: 39565). For these reasons, this variant has been classified as Pathogenic.

Blueprint Genetics
Classification: Likely pathogenic for DHTKD1-related disorders. Last evaluated: 2024-01-29. Review status: criteria provided, single submitter. Criteria: ACMG Guidelines, 2015. Collection method: clinical testing. Allele origin: germline. Affected: yes. Observed: 5 variant alleles.

Genetics and Genomic Medicine Centre, NeuroGen Healthcare, NeuroGen Healthcare
Classification: Pathogenic for Charcot-Marie-Tooth disease axonal type 2Q. Last evaluated: 2020-12-12. Review status: criteria provided, single submitter. Criteria: Submitter's publication. Collection method: clinical testing. Allele origin: unknown. Affected: no.

Inherited Neuropathy Consortium Ii, University Of Miami
Classification: Uncertain significance for Charcot-Marie-Tooth disease type 2A2. Last evaluated: 2016-01-06. Review status: no assertion criteria provided. Collection method: literature only. Allele origin: germline. Affected: yes. Not counted in ClinVar's aggregate classification.

OMIM
Classification: Pathogenic for ALPHA-AMINOADIPIC AND ALPHA-KETOADIPIC ACIDURIA. Last evaluated: 2012-12-07. Review status: no assertion criteria provided. Collection method: literature only. Allele origin: germline. Not counted in ClinVar's aggregate classification.

Literature cited by the submitters: PubMed 23141293 (cited by 3 submitters); PubMed 25860818 (cited by Labcorp Genetics (formerly Invitae), Labcorp).

NM_018706.7(DHTKD1):c.1228C>T (p.Arg410Ter)

Gene: DHTKD1 (dehydrogenase E1 and transketolase domain containing 1; plus strand). Cytogenetic location: 10p14.
Variant type: single nucleotide variant.
Coding change: c.1228C>T on transcript NM_018706.7 (MANE Select); coding-DNA position 1228, C replaced by T.
Protein change: p.Arg410Ter; replaces arginine 410 with a stop codon.
Molecular consequence: nonsense.
Genome position (GRCh38, 1-based): chr10:12,094,141, C>T. VCF-style: chr10-12094141-C-T. GRCh37 (hg19) VCF-style: chr10-12136140-C-T.
Other names: c.1228C>T (NM_018706.6); short protein forms R410*.
Identifiers: ClinVar variation 39565 (VCV000039565.9), dbSNP rs397514534, ClinGen allele CA130362.